The following is an entry in ClinVar:

ClinVar aggregate classification (germline): Uncertain significance. Review status: criteria provided, multiple submitters, no conflicts (2 of 4 stars). 2 submissions from 2 submitters: Uncertain significance (2). Last evaluated 2021-11-16.

Conditions:
Neurofibromatosis, type 1 (NF1). Also called: VON RECKLINGHAUSEN DISEASE; NEUROFIBROMATOSIS, TYPE I, SOMATIC; Peripheral type neurofibromatosis; Neurofibromatosis, type I. Identifiers: Orphanet 636, MedGen C0027831, MONDO:0018975, OMIM 162200. Disease mechanism: loss of function.
Cardiovascular phenotype. Identifiers: MedGen CN230736.
Hereditary cancer-predisposing syndrome. Also called: Hereditary Cancer Syndrome; Hereditary neoplastic syndrome; Tumor predisposition; Neoplastic Syndromes, Hereditary. Identifiers: Orphanet 140162, MedGen C0027672, MeSH D009386, MONDO:0015356.

Submissions (2):

Ambry Genetics
Classification: Uncertain significance for Cardiovascular phenotype; Hereditary cancer-predisposing syndrome. Last evaluated: 2021-11-16. Review status: criteria provided, single submitter. Criteria: Ambry Variant Classification Scheme 2023. Collection method: clinical testing. Allele origin: germline.
Comment: The p.V1743L variant (also known as c.5227G>T), located in coding exon 37 of the NF1 gene, results from a G to T substitution at nucleotide position 5227. The valine at codon 1743 is replaced by leucine, an amino acid with highly similar properties. This amino acid position is highly conserved in available vertebrate species. In addition, this alteration is predicted to be deleterious by in silico analysis. Since supporting evidence is limited at this time, the clinical significance of this alteration remains unclear.

Labcorp Genetics (formerly Invitae), Labcorp
Classification: Uncertain significance for Neurofibromatosis, type 1. Last evaluated: 2021-07-12. Review status: criteria provided, single submitter. Criteria: Invitae Variant Classification Sherloc (09022015). Collection method: clinical testing. Allele origin: germline.
Comment: This sequence change replaces valine with leucine at codon 1743 of the NF1 protein (p.Val1743Leu). The valine residue is moderately conserved and there is a small physicochemical difference between valine and leucine. This variant is not present in population databases (ExAC no frequency). This variant has not been reported in the literature in individuals affected with NF1-related conditions. In summary, the available evidence is currently insufficient to determine the role of this variant in disease. Therefore, it has been classified as a Variant of Uncertain Significance. Algorithms developed to predict the effect of missense changes on protein structure and function are either unavailable or do not agree on the potential impact of this missense change (SIFT: "Deleterious"; PolyPhen-2: "Probably Damaging"; Align-GVGD: "Class C0"). ClinVar contains an entry for this variant (Variation ID: 457748).

NM_001042492.3(NF1):c.5290G>T (p.Val1764Leu)

Gene: NF1 (neurofibromin 1; plus strand). Cytogenetic location: 17q11.2.
Variant type: single nucleotide variant.
Coding change: c.5290G>T on transcript NM_001042492.3 (MANE Select); coding-DNA position 5290, G replaced by T.
Protein change: p.Val1764Leu; replaces valine 1764 with leucine.
Molecular consequence: missense variant.
Genome position (GRCh38, 1-based): chr17:31,327,520, G>T. VCF-style: chr17-31327520-G-T. GRCh37 (hg19) VCF-style: chr17-29654538-G-T.
Other names: c.5227G>T, p.Val1743Leu (NM_000267.4); short protein forms V1743L, V1764L.
Identifiers: ClinVar variation 457748 (VCV000457748.7), dbSNP rs778427434, ClinGen allele CA399008964.